The following is an entry in ClinVar:

NM_020778.5(ALPK3):c.3224T>G (p.Val1075Gly)

Gene: ALPK3 (alpha kinase 3; plus strand). Cytogenetic location: 15q25.3.
Variant type: single nucleotide variant.
Coding change: c.3224T>G on transcript NM_020778.5 (MANE Select); coding-DNA position 3224, T replaced by G.
Protein change: p.Val1075Gly; replaces valine 1075 with glycine.
Molecular consequence: missense variant.
Genome position (GRCh38, 1-based): chr15:84,857,962, T>G. VCF-style: chr15-84857962-T-G. GRCh37 (hg19) VCF-style: chr15-85401193-T-G.
Other names: short protein forms V1075G.
Identifiers: ClinVar variation 2797564 (VCV002797564.3), dbSNP rs1449822010, ClinGen allele CA393359841.

ClinVar aggregate classification (germline): Uncertain significance (1 of 4 stars; one submission).

Allele frequency attached by ClinVar (database versions not stated): TOPMed below 0.00001; gnomAD 0.00001.
gnomAD v4.1: 2 of 1,608,618 alleles (0.00012%); highest among the groups gnomAD compares: Non-Finnish European, 0.00017%; no homozygotes.

Submission:

Labcorp Genetics (formerly Invitae), Labcorp
Classification: Uncertain significance. Last evaluated: 2023-07-17. Review status: criteria provided, single submitter. Criteria: Invitae Variant Classification Sherloc (09022015). Collection method: clinical testing. Allele origin: germline.
Comment: In summary, the available evidence is currently insufficient to determine the role of this variant in disease. Therefore, it has been classified as a Variant of Uncertain Significance. Advanced modeling of protein sequence and biophysical properties (such as structural, functional, and spatial information, amino acid conservation, physicochemical variation, residue mobility, and thermodynamic stability) has been performed at Invitae for this missense variant, however the output from this modeling did not meet the statistical confidence thresholds required to predict the impact of this variant on ALPK3 protein function. This variant has not been reported in the literature in individuals affected with ALPK3-related conditions. This variant is not present in population databases (gnomAD no frequency). This sequence change replaces valine, which is neutral and non-polar, with glycine, which is neutral and non-polar, at codon 1277 of the ALPK3 protein (p.Val1277Gly).